The following is an entry in ClinVar:

NM_005554.4(KRT6A):c.912+3A>G

Gene: KRT6A (keratin 6A; minus strand). Cytogenetic location: 12q13.13.
Variant type: single nucleotide variant.
Coding change: c.912+3A>G on transcript NM_005554.4 (MANE Select); 3 bases into the intron after coding-DNA position 912, A replaced by G.
Molecular consequence: intron variant.
Genome position (GRCh38, 1-based): chr12:52,490,855, T>C on the plus strand (A>G on the coding strand, the complement: KRT6A is on the minus strand). VCF-style: chr12-52490855-T-C. GRCh37 (hg19) VCF-style: chr12-52884639-T-C.
Identifiers: ClinVar variation 4725695 (VCV004725695.1).

ClinVar aggregate classification (germline): Uncertain significance (1 of 4 stars; one submission).

Submission:

Labcorp Genetics (formerly Invitae), Labcorp
Classification: Uncertain significance. Last evaluated: 2025-08-19. Review status: criteria provided, single submitter. Criteria: Invitae Variant Classification Sherloc (09022015). Collection method: clinical testing. Allele origin: germline.
Comment: This sequence change falls in intron 4 of the KRT6A gene. It does not directly change the encoded amino acid sequence of the KRT6A protein. It affects a nucleotide within the consensus splice site. This variant is not present in population databases (gnomAD no frequency). This variant has not been reported in the literature in individuals affected with KRT6A-related conditions. Variants that disrupt the consensus splice site are a relatively common cause of aberrant splicing (PMID: 17576681, 9536098). Algorithms developed to predict the effect of sequence changes on RNA splicing suggest that this variant may disrupt the consensus splice site. In summary, the available evidence is currently insufficient to determine the role of this variant in disease. Therefore, it has been classified as a Variant of Uncertain Significance.

Literature cited by the submitters: PubMed 17576681; PubMed 9536098.